The following is an entry in ClinVar:

ClinVar aggregate classification (germline): Benign/Likely benign. Review status: criteria provided, single submitter (1 of 4 stars). 2 submissions from 1 submitter: Benign (1); Likely benign (1). Last evaluated 2018-01-12.

Conditions:
Amyotrophic lateral sclerosis type 4 (ALS4). Also called: AMYOTROPHIC LATERAL SCLEROSIS 4, JUVENILE; NEURONOPATHY, DISTAL HEREDITARY MOTOR, WITH PYRAMIDAL FEATURES. Identifiers: Orphanet 357043, MedGen C1865409, MONDO:0011223, OMIM 602433.
Spinocerebellar ataxia, autosomal recessive, with axonal neuropathy 2 (SCAN2). Also called: ATAXIA-OCULOMOTOR APRAXIA 2; Ataxia-ocular apraxia-2; Ataxia with Oculomotor Apraxia; Ataxia with Oculomotor Apraxia Type 2. Identifiers: Orphanet 64753, MedGen C1853761, MONDO:0018996, OMIM 606002.

Allele frequency attached by ClinVar (database versions not stated): gnomAD 0.00001 and 0.00022; TOPMed 0.00005; gnomAD exomes 0.00057; 1000 Genomes Project 30x 0.00187; 1000 Genomes Project 0.00200.
gnomAD v4.1: 34 of 154,260 alleles (0.022%); highest among the groups gnomAD compares: South Asian, 0.67%; no homozygotes.

Submissions (2):

Illumina Laboratory Services, Illumina
Classification: Benign for Amyotrophic lateral sclerosis type 4. Last evaluated: 2018-01-12. Review status: criteria provided, single submitter. Criteria: ICSL Variant Classification Criteria 13 December 2019. Collection method: clinical testing. Allele origin: germline.
Comment: This variant was observed in the ICSL laboratory as part of a predisposition screen in an ostensibly healthy population. It had not been previously curated by ICSL or reported in the Human Gene Mutation Database (HGMD: prior to June 1st, 2018), and was therefore a candidate for classification through an automated scoring system. Utilizing variant allele frequency, disease prevalence and penetrance estimates, and inheritance mode, an automated score was calculated to assess if this variant is too frequent to cause the disease. Based on the score and internal cut-off values, a variant classified as benign is not then subjected to further curation. The score for this variant resulted in a classification of benign for this disease.

Illumina Laboratory Services, Illumina
Classification: Likely benign for Spinocerebellar ataxia, autosomal recessive, with axonal neuropathy 2. Last evaluated: 2018-01-12. Review status: criteria provided, single submitter. Criteria: ICSL Variant Classification Criteria 13 December 2019. Collection method: clinical testing. Allele origin: germline.
Comment: This variant was observed in the ICSL laboratory as part of a predisposition screen in an ostensibly healthy population. It had not been previously curated by ICSL or reported in the Human Gene Mutation Database (HGMD: prior to June 1st, 2018), and was therefore a candidate for classification through an automated scoring system. Utilizing variant allele frequency, disease prevalence and penetrance estimates, and inheritance mode, an automated score was calculated to assess if this variant is too frequent to cause the disease. Based on the score and internal cut-off values, a variant classified as likely benign is not then subjected to further curation. The score for this variant resulted in a classification of likely benign for this disease.

NM_015046.7(SETX):c.*2232T>C

Gene: SETX (senataxin; minus strand). Cytogenetic location: 9q34.13.
Variant type: single nucleotide variant.
Coding change: c.*2232T>C on transcript NM_015046.7 (MANE Select); 2232 bases downstream of the stop codon, T replaced by C.
Molecular consequence: 3 prime UTR variant.
Genome position (GRCh38, 1-based): chr9:132,262,007, A>G on the plus strand (T>C on the coding strand, the complement: SETX is on the minus strand). VCF-style: chr9-132262007-A-G. GRCh37 (hg19) VCF-style: chr9-135137394-A-G.
Other names: c.*2232T>C (NM_001351527.2, NM_001351528.2).
Identifiers: ClinVar variation 365306 (VCV000365306.5), dbSNP rs545456048, ClinGen allele CA10632876.